The following is an entry in ClinVar:

NM_001110556.2(FLNA):c.869-200A>G

Gene: FLNA (filamin A; minus strand). Cytogenetic location: Xq28.
Variant type: single nucleotide variant.
Coding change: c.869-200A>G on transcript NM_001110556.2 (MANE Select); 200 bases into the intron before coding-DNA position 869, A replaced by G.
Molecular consequence: intron variant.
Genome position (GRCh38, 1-based): chrX:154,367,050, T>C on the plus strand (A>G on the coding strand, the complement: FLNA is on the minus strand). VCF-style: chrX-154367050-T-C. GRCh37 (hg19) VCF-style: chrX-153595418-T-C.
Other names: c.869-200A>G (NM_001456.4).
Identifiers: ClinVar variation 674268 (VCV000674268.1), dbSNP rs2070816, ClinGen allele CA15053522.

ClinVar aggregate classification (germline): Benign (1 of 4 stars; one submission).

Allele frequency attached by ClinVar (database versions not stated): gnomAD 0.36554 and 0.36623; TOPMed 0.38230; 1000 Genomes Project 0.44000; 1000 Genomes Project 30x 0.44891.
gnomAD v4.1: 40,338 of 111,100 alleles (36%); highest among the groups gnomAD compares: African/African-American, 73%; 7,492 homozygotes.

Submission:

GeneDx
Classification: Benign. Last evaluated: 2018-06-18. Review status: criteria provided, single submitter. Criteria: GeneDx Variant Classification (06012015). Collection method: clinical testing. Allele origin: germline. Affected: yes.
Comment: This variant is considered likely benign or benign based on one or more of the following criteria: it is a conservative change, it occurs at a poorly conserved position in the protein, it is predicted to be benign by multiple in silico algorithms, and/or has population frequency not consistent with disease.